The following is an entry in ClinVar:

ClinVar aggregate classification (germline): Pathogenic (1 of 4 stars; one submission).

Conditions:
Familial adenomatous polyposis 3. Also called: NTHL1-Related Adenomatous Polyposis and Colorectal Cancer; NTHL1 Tumor Syndrome; NTHL1-related attenuated familial adenomatous polyposis; NTHL1-associated polyposis. Identifiers: Orphanet 220460, Orphanet 454840, MedGen C4225157, MONDO:0014630, OMIM 616415.

Submission:

Myriad Genetics, Inc.
Classification: Pathogenic for Familial adenomatous polyposis 3. Last evaluated: 2023-07-12. Review status: criteria provided, single submitter. Criteria: Myriad Autosomal Dominant, Autosomal Recessive and X-Linked Classification Criteria (2023). Collection method: clinical testing. Allele origin: unknown.
Comment: This variant is considered pathogenic. This variant creates a frameshift predicted to result in premature protein truncation.

NM_002528.7(NTHL1):c.477_480del (p.Asp160fs)

Gene: NTHL1 (nth like DNA glycosylase 1; minus strand). Cytogenetic location: 16p13.3.
Variant type: Deletion.
Coding change: c.477_480del on transcript NM_002528.7 (MANE Select); coding-DNA positions 477 to 480, 4 bases deleted (AGAT; older notation c.477_480delAGAT).
Protein change: p.Asp160fs; shifts the reading frame from aspartic acid 160.
Molecular consequence: frameshift variant. On other transcripts: intron variant (1).
Genome position (GRCh38, 1-based): chr16:2,044,675-2,044,678, ATCT deleted on the plus strand (AGAT on the coding strand, the reverse complement: NTHL1 is on the minus strand). VCF-style (leftmost placement, unchanged base first): chr16-2044674-CATCT-C. GRCh37 (hg19) VCF-style: chr16-2094675-CATCT-C.
Other names: c.147_150del, p.Asp50fs (NM_001318194.2); c.355-952_355-949del (NM_001318193.2); short protein forms D160fs, D50fs.
Identifiers: ClinVar variation 2673819 (VCV002673819.1), dbSNP rs2548316205, ClinGen allele CA2695197423.